The following is an entry in ClinVar:

ClinVar aggregate classification (germline): Uncertain significance (1 of 4 stars; one submission).

Conditions:
Myoclonic dystonia 26. Identifiers: MedGen C4225341, MONDO:0014620, OMIM 616398.

Allele frequency attached by ClinVar (database versions not stated): TOPMed below 0.00001; 1000 Genomes Project 30x 0.00016; ExAC 0.00004; 1000 Genomes Project 0.00020; gnomAD 0.00001; ESP Exome Variant Server 0.00008.
gnomAD v4.1: 73 of 1,612,466 alleles (0.0045%); highest among the groups gnomAD compares: Non-Finnish European, 0.0062%; no homozygotes.

Submission:

Labcorp Genetics (formerly Invitae), Labcorp
Classification: Uncertain significance for Myoclonic dystonia 26. Last evaluated: 2017-12-30. Review status: criteria provided, single submitter. Criteria: Invitae Variant Classification Sherloc (09022015). Collection method: clinical testing. Allele origin: germline.
Comment: This variant is present in population databases (rs144682183, ExAC 0.008%). This variant has not been reported in the literature in individuals with KCTD17-related disease. Algorithms developed to predict the effect of missense changes on protein structure and function (SIFT, PolyPhen-2, Align-GVGD) all suggest that this variant is likely to be tolerated, but these predictions have not been confirmed by published functional studies and their clinical significance is uncertain. In summary, the available evidence is currently insufficient to determine the role of this variant in disease. Therefore, it has been classified as a Variant of Uncertain Significance. This sequence change replaces serine with threonine at codon 197 of the KCTD17 protein (p.Ser197Thr). The serine residue is moderately conserved and there is a small physicochemical difference between serine and threonine.

NM_001282684.2(KCTD17):c.569G>C (p.Ser190Thr)

Gene: KCTD17 (potassium channel tetramerization domain containing 17; plus strand). Cytogenetic location: 22q12.3.
Variant type: single nucleotide variant.
Coding change: c.569G>C on transcript NM_001282684.2 (MANE Select); coding-DNA position 569, G replaced by C.
Protein change: p.Ser190Thr; replaces serine 190 with threonine.
Molecular consequence: missense variant.
Genome position (GRCh38, 1-based): chr22:37,059,395, G>C. VCF-style: chr22-37059395-G-C. GRCh37 (hg19) VCF-style: chr22-37455435-G-C.
Other names: c.569G>C, p.Ser190Thr (NM_001282685.2, NM_001282686.2, NM_024681.4); short protein forms S197T, S190T.
Identifiers: ClinVar variation 542656 (VCV000542656.9), dbSNP rs144682183, ClinGen allele CA10215081.